The following is an entry in ClinVar:

NC_000003.11:g.(?_93698982)_(93774523_?)dup

Genes: ARL13B (ADP ribosylation factor like GTPase 13B; plus strand), STX19 (syntaxin 19; minus strand). Cytogenetic location: 3q11.1.
Variant type: Duplication.
Identifiers: ClinVar variation 1683409 (VCV001683409.1).

ClinVar aggregate classification (germline): Uncertain significance (1 of 4 stars; one submission).

Submission:

Women's Health and Genetics/Laboratory Corporation of America, LabCorp
Classification: Uncertain significance. Last evaluated: 2022-04-18. Review status: criteria provided, single submitter. Criteria: LabCorp Variant Classification Summary - May 2015. Collection method: clinical testing. Allele origin: germline.
Comment: Variant summary: The variant identified by MLPA or other technology involves the duplication of exons 1-11 (i.e. the full coding sequence) of the ARL13B gene. A presumed nomenclature of c.(?_-286)_(*2261_?)dup has been designated for the purposes of this classification. It has been assumed that this is a tandem duplication in direct orientation (Richardson_GIM_2018, Newman_AJHG_2015). Since exact breakpoints of this deletion are not known, it might extend beyond the assayed region of the ARL13B gene, including other flanking genes. The variant was absent in 21666 control chromosomes in the gnomAD database, structural variants dataset. The available data on variant occurrences in the general population are insufficient to allow any conclusion about variant significance. To our knowledge, no occurrence of c.(?_-286)_(*2261_?)dup in individuals affected with Joubert Syndrome and Related Disorders and no experimental evidence demonstrating its impact on protein function have been reported. At least one clinical diagnostic laboratory has submitted clinical-significance assessments for a similar variant to ClinVar after 2014, and classified the variant as uncertain significance. Based on the evidence outlined above, the variant was classified as uncertain significance.